The following is an entry in ClinVar:

NM_001356.5(DDX3X):c.869C>T (p.Ser290Leu)

Gene: DDX3X (DEAD-box helicase 3 X-linked; plus strand). Cytogenetic location: Xp11.4.
Variant type: single nucleotide variant.
Coding change: c.869C>T on transcript NM_001356.5 (MANE Select); coding-DNA position 869, C replaced by T.
Protein change: p.Ser290Leu; replaces serine 290 with leucine.
Molecular consequence: missense variant. On other transcripts: non-coding transcript variant (1).
Genome position (GRCh38, 1-based): chrX:41,344,243, C>T. VCF-style: chrX-41344243-C-T. GRCh37 (hg19) VCF-style: chrX-41203496-C-T.
Other names: c.869C>T, p.Ser290Leu (NM_001193416.3); c.821C>T, p.Ser274Leu (NM_001193417.3); c.311C>T, p.Ser104Leu (NM_001363819.1); short protein forms S290L, S104L, S274L.
Identifiers: ClinVar variation 2863780 (VCV002863780.3), dbSNP rs1555953482, ClinGen allele CA412770587.

ClinVar aggregate classification (germline): Uncertain significance (1 of 4 stars; one submission).

Submission:

Labcorp Genetics (formerly Invitae), Labcorp
Classification: Uncertain significance. Last evaluated: 2023-10-03. Review status: criteria provided, single submitter. Criteria: Invitae Variant Classification Sherloc (09022015). Collection method: clinical testing. Allele origin: germline.
Comment: This sequence change replaces serine, which is neutral and polar, with leucine, which is neutral and non-polar, at codon 290 of the DDX3X protein (p.Ser290Leu). This variant is not present in population databases (gnomAD no frequency). This variant has not been reported in the literature in individuals affected with DDX3X-related conditions. Experimental studies and prediction algorithms are not available or were not evaluated, and the functional significance of this variant is currently unknown. In summary, the available evidence is currently insufficient to determine the role of this variant in disease. Therefore, it has been classified as a Variant of Uncertain Significance.